The following is an entry in ClinVar:

ClinVar aggregate classification (germline): Uncertain significance (1 of 4 stars; one submission).

Conditions:
Hereditary spastic paraplegia 7 (SPG7). Also called: SPG7-related neurologic disorder; Autosomal recessive spastic paraplegia type 7; Spastic paraplegia 7; Hereditary spastic paraplegia Paraplegin type; SPASTIC PARAPLEGIA 7, AUTOSOMAL RECESSIVE, WITH OR WITHOUT CEREBELLAR ATAXIA. Identifiers: Orphanet 99013, MedGen C1846564, MONDO:0011803, OMIM 607259.

Allele frequency attached by ClinVar (database versions not stated): TOPMed below 0.00001.

Submission:

Labcorp Genetics (formerly Invitae), Labcorp
Classification: Uncertain significance for Hereditary spastic paraplegia 7. Last evaluated: 2023-12-28. Review status: criteria provided, single submitter. Criteria: Invitae Variant Classification Sherloc (09022015). Collection method: clinical testing. Allele origin: germline.
Comment: This sequence change replaces phenylalanine, which is neutral and non-polar, with leucine, which is neutral and non-polar, at codon 324 of the SPG7 protein (p.Phe324Leu). This variant is not present in population databases (gnomAD no frequency). This variant has not been reported in the literature in individuals affected with SPG7-related conditions. Advanced modeling of protein sequence and biophysical properties (such as structural, functional, and spatial information, amino acid conservation, physicochemical variation, residue mobility, and thermodynamic stability) performed at Invitae indicates that this missense variant is not expected to disrupt SPG7 protein function with a negative predictive value of 80%. This variant disrupts the p.Phe324 amino acid residue in SPG7. Other variant(s) that disrupt this residue have been determined to be pathogenic (Invitae). This suggests that this residue is clinically significant, and that variants that disrupt this residue are likely to be disease-causing. In summary, the available evidence is currently insufficient to determine the role of this variant in disease. Therefore, it has been classified as a Variant of Uncertain Significance.

NM_003119.4(SPG7):c.970T>C (p.Phe324Leu)

Gene: SPG7 (SPG7 matrix AAA peptidase subunit, paraplegin; plus strand). Cytogenetic location: 16q24.3.
Variant type: single nucleotide variant.
Coding change: c.970T>C on transcript NM_003119.4 (MANE Select); coding-DNA position 970, T replaced by C.
Protein change: p.Phe324Leu; replaces phenylalanine 324 with leucine.
Molecular consequence: missense variant.
Genome position (GRCh38, 1-based): chr16:89,530,791, T>C. VCF-style: chr16-89530791-T-C. GRCh37 (hg19) VCF-style: chr16-89597199-T-C.
Other names: c.970T>C, p.Phe324Leu (NM_001363850.1, NM_199367.3); short protein forms F324L.
Identifiers: ClinVar variation 2965421 (VCV002965421.3), dbSNP rs2058331559, ClinGen allele CA397419236.